The following is an entry in ClinVar:

NM_001853.4(COL9A3):c.790G>A (p.Ala264Thr)

Gene: COL9A3 (collagen type IX alpha 3 chain; plus strand). Cytogenetic location: 20q13.33.
Variant type: single nucleotide variant.
Coding change: c.790G>A on transcript NM_001853.4 (MANE Select); coding-DNA position 790, G replaced by A.
Protein change: p.Ala264Thr; replaces alanine 264 with threonine.
Molecular consequence: missense variant.
Genome position (GRCh38, 1-based): chr20:62,826,818, G>A. VCF-style: chr20-62826818-G-A. GRCh37 (hg19) VCF-style: chr20-61458170-G-A.
Other names: short protein forms A264T.
Identifiers: ClinVar variation 2635475 (VCV002635475.3), dbSNP rs2516048166, ClinGen allele CA409592351.

ClinVar aggregate classification (germline): Uncertain significance (0 of 4 stars; one submission).

Conditions:
COL9A3-related disorder. Also called: COL9A3-related condition.

gnomAD v4.1: 1 of 1,612,806 alleles (0.000062%); highest among the groups gnomAD compares: South Asian, 0.0011%; no homozygotes.

Submission:

PreventionGenetics, part of Exact Sciences
Classification: Uncertain significance for COL9A3-related condition. Last evaluated: 2023-12-11. Review status: no assertion criteria provided. Collection method: clinical testing. Allele origin: germline.
Comment: The COL9A3 c.790G>A variant is predicted to result in the amino acid substitution p.Ala264Thr. To our knowledge, this variant has not been reported in the literature or in a large population database, indicating this variant is rare. At this time, the clinical significance of this variant is uncertain due to the absence of conclusive functional and genetic evidence.